The following is an entry in ClinVar:

ClinVar aggregate classification (germline): Uncertain significance (1 of 4 stars; one submission).

Conditions:
Alstrom syndrome (ALMS). Identifiers: Orphanet 64, MedGen C0268425, MONDO:0008763, OMIM 203800.

gnomAD v4.1: 2 of 1,614,084 alleles (0.00012%); highest among the groups gnomAD compares: Middle Eastern, 0.016%; no homozygotes.

Submission:

Labcorp Genetics (formerly Invitae), Labcorp
Classification: Uncertain significance for Alstrom syndrome. Last evaluated: 2022-04-29. Review status: criteria provided, single submitter. Criteria: Invitae Variant Classification Sherloc (09022015). Collection method: clinical testing. Allele origin: germline.
Comment: This sequence change replaces tyrosine, which is neutral and polar, with cysteine, which is neutral and slightly polar, at codon 1440 of the ALMS1 protein (p.Tyr1440Cys). This variant is not present in population databases (gnomAD no frequency). This variant has not been reported in the literature in individuals affected with ALMS1-related conditions. Experimental studies and prediction algorithms are not available or were not evaluated, and the functional significance of this variant is currently unknown. In summary, the available evidence is currently insufficient to determine the role of this variant in disease. Therefore, it has been classified as a Variant of Uncertain Significance.

NM_001378454.1(ALMS1):c.4316A>G (p.Tyr1439Cys)

Gene: ALMS1 (ALMS1 centrosome and basal body associated protein; plus strand). Cytogenetic location: 2p13.1.
Variant type: single nucleotide variant.
Coding change: c.4316A>G on transcript NM_001378454.1 (MANE Select); coding-DNA position 4316, A replaced by G.
Protein change: p.Tyr1439Cys; replaces tyrosine 1439 with cysteine.
Molecular consequence: missense variant.
Genome position (GRCh38, 1-based): chr2:73,450,843, A>G. VCF-style: chr2-73450843-A-G. GRCh37 (hg19) VCF-style: chr2-73677970-A-G.
Other names: c.4319A>G, p.Tyr1440Cys (NM_015120.4); short protein forms Y1440C, Y1439C.
Identifiers: ClinVar variation 1980234 (VCV001980234.1), dbSNP rs201971114, ClinGen allele CA347278093.